The following is an entry in ClinVar:

ClinVar aggregate classification (germline): Uncertain significance. Review status: criteria provided, multiple submitters, no conflicts (2 of 4 stars). 2 submissions from 2 submitters: Uncertain significance (2). Last evaluated 2022-08-03.

Conditions:
Hereditary cancer-predisposing syndrome. Also called: Neoplastic Syndromes, Hereditary; Hereditary Cancer Syndrome; Tumor predisposition; Hereditary neoplastic syndrome. Identifiers: Orphanet 140162, MedGen C0027672, MeSH D009386, MONDO:0015356.
Ataxia-telangiectasia syndrome (AT). Also called: LOUIS-BAR SYNDROME; Cerebello-oculocutaneous telangiectasia; Immunodeficiency with ataxia telangiectasia; Ataxia-telangiectasia, complementation group D; AT, COMPLEMENTATION GROUP C; Ataxia-telangiectasia, complementation group E. Identifiers: Orphanet 100, MedGen C0004135, MONDO:0008840, OMIM 208900.

Submissions (2):

Labcorp Genetics (formerly Invitae), Labcorp
Classification: Uncertain significance for Ataxia-telangiectasia syndrome. Last evaluated: 2022-08-03. Review status: criteria provided, single submitter. Criteria: Invitae Variant Classification Sherloc (09022015). Collection method: clinical testing. Allele origin: germline.
Comment: ClinVar contains an entry for this variant (Variation ID: 453676). This variant has not been reported in the literature in individuals affected with ATM-related conditions. This variant is not present in population databases (gnomAD no frequency). This sequence change replaces glutamic acid, which is acidic and polar, with alanine, which is neutral and non-polar, at codon 2449 of the ATM protein (p.Glu2449Ala). Algorithms developed to predict the effect of missense changes on protein structure and function are either unavailable or do not agree on the potential impact of this missense change (SIFT: "Tolerated"; PolyPhen-2: "Possibly Damaging"; Align-GVGD: "Class C0"). In summary, the available evidence is currently insufficient to determine the role of this variant in disease. Therefore, it has been classified as a Variant of Uncertain Significance.

Ambry Genetics
Classification: Uncertain significance for Hereditary cancer-predisposing syndrome. Last evaluated: 2018-08-21. Review status: criteria provided, single submitter. Criteria: Ambry Variant Classification Scheme 2023. Collection method: clinical testing. Allele origin: germline.
Comment: The p.E2449A variant (also known as c.7346A>C), located in coding exon 49 of the ATM gene, results from an A to C substitution at nucleotide position 7346. The glutamic acid at codon 2449 is replaced by alanine, an amino acid with dissimilar properties. This amino acid position is well conserved in available vertebrate species. In addition, the in silico prediction for this alteration is inconclusive. Since supporting evidence is limited at this time, the clinical significance of this alteration remains unclear.

NM_000051.4(ATM):c.7346A>C (p.Glu2449Ala)

Genes: ATM (ATM serine/threonine kinase; plus strand), C11orf65 (chromosome 11 open reading frame 65; minus strand). Cytogenetic location: 11q22.3.
Variant type: single nucleotide variant.
Coding change: c.7346A>C on transcript NM_000051.4 (MANE Select); coding-DNA position 7346, A replaced by C.
Protein change: p.Glu2449Ala; replaces glutamic acid 2449 with alanine.
Molecular consequence: missense variant. On other transcripts: intron variant (2).
Genome position (GRCh38, 1-based): chr11:108,330,252, A>C. VCF-style: chr11-108330252-A-C. GRCh37 (hg19) VCF-style: chr11-108200979-A-C.
Other names: c.7346A>C, p.Glu2449Ala (NM_001351834.2); c.641-21181T>G (NM_001330368.2); c.*38+4968T>G (NM_001351110.2); short protein forms E2449A.
Identifiers: ClinVar variation 453676 (VCV000453676.14), dbSNP rs1555123004, ClinGen allele CA382559934.